The following is an entry in ClinVar:

NM_001039591.3(USP9X):c.3028A>G (p.Ile1010Val)

Gene: USP9X (ubiquitin specific peptidase 9 X-linked; plus strand). Cytogenetic location: Xp11.4.
Variant type: single nucleotide variant.
Coding change: c.3028A>G on transcript NM_001039591.3 (MANE Select); coding-DNA position 3028, A replaced by G.
Protein change: p.Ile1010Val; replaces isoleucine 1010 with valine.
Molecular consequence: missense variant.
Genome position (GRCh38, 1-based): chrX:41,171,838, A>G. VCF-style: chrX-41171838-A-G. GRCh37 (hg19) VCF-style: chrX-41031091-A-G.
Other names: c.3028A>G, p.Ile1010Val (NM_001039590.3); c.3043A>G, p.Ile1015Val (NM_001410748.1, NM_001410749.1); short protein forms I1010V, I1015V.
Identifiers: ClinVar variation 2507294 (VCV002507294.3), dbSNP rs2519231722, ClinGen allele CA412760869.
Genomic context (GRCh38, chrX:41,171,838, plus strand): 5'-CTTTTATAAAACGGGAGTAAATAATTTAGAGGTAATTATTTTGTGTATTTTATATTCTAG[A>G]TAATGTCACTGCATCCCAGATACATCTCTTTTCTTTGGCAAGTTGCAGACTTAGGTAGCA-3'
Protein context (NP_001034680.2, residues 1000-1020): PEVESCLPGV[Ile1010Val]MSLHPRYISF

ClinVar aggregate classification (germline): Uncertain significance. Review status: criteria provided, multiple submitters, no conflicts (2 of 4 stars). 2 submissions from 2 submitters: Uncertain significance (2). Last evaluated 2024-04-05.

Submissions (2):

Labcorp Genetics (formerly Invitae), Labcorp
Classification: Uncertain significance. Last evaluated: 2024-04-05. Review status: criteria provided, single submitter. Criteria: Invitae Variant Classification Sherloc (09022015). Collection method: clinical testing. Allele origin: germline.
Comment: This sequence change replaces isoleucine, which is neutral and non-polar, with valine, which is neutral and non-polar, at codon 1010 of the USP9X protein (p.Ile1010Val). This variant is not present in population databases (gnomAD no frequency). This variant has not been reported in the literature in individuals affected with USP9X-related conditions. ClinVar contains an entry for this variant (Variation ID: 2507294). An algorithm developed to predict the effect of missense changes on protein structure and function (PolyPhen-2) suggests that this variant is likely to be tolerated. In summary, the available evidence is currently insufficient to determine the role of this variant in disease. Therefore, it has been classified as a Variant of Uncertain Significance.

GeneDx
Classification: Uncertain significance. Last evaluated: 2022-12-16. Review status: criteria provided, single submitter. Criteria: GeneDx Variant Classification Process June 2021. Collection method: clinical testing. Allele origin: germline. Affected: yes.
Comment: Not observed at significant frequency in large population cohorts (gnomAD); In silico analysis supports that this missense variant does not alter protein structure/function; Has not been previously published as pathogenic or benign to our knowledge